The following is an entry in ClinVar:

NM_001283009.2(RTEL1):c.980G>A (p.Gly327Glu)

Genes: RTEL1 (regulator of telomere elongation helicase 1; plus strand), RTEL1-TNFRSF6B (RTEL1-TNFRSF6B readthrough (NMD candidate); plus strand). Cytogenetic location: 20q13.33.
Variant type: single nucleotide variant.
Coding change: c.980G>A on transcript NM_001283009.2 (MANE Select); coding-DNA position 980, G replaced by A.
Protein change: p.Gly327Glu; replaces glycine 327 with glutamic acid.
Molecular consequence: missense variant. On other transcripts: non-coding transcript variant (1).
Genome position (GRCh38, 1-based): chr20:63,678,289, G>A. VCF-style: chr20-63678289-G-A. GRCh37 (hg19) VCF-style: chr20-62309642-G-A.
Other names: c.311G>A, p.Gly104Glu (NM_001283010.1); c.980G>A, p.Gly327Glu (NM_016434.4); c.1052G>A, p.Gly351Glu (NM_032957.5); short protein forms G104E, G327E, G351E.
Identifiers: ClinVar variation 3948459 (VCV003948459.1).

ClinVar aggregate classification (germline): Uncertain significance (1 of 4 stars; one submission).

Conditions:
Inborn genetic diseases. Identifiers: MedGen C0950123, MeSH D030342.

Submission:

Ambry Genetics
Classification: Uncertain significance for Inborn genetic diseases. Last evaluated: 2025-06-06. Review status: criteria provided, single submitter. Criteria: Ambry Variant Classification Scheme 2023. Collection method: clinical testing. Allele origin: germline.
Comment: The p.G327E variant (also known as c.980G>A), located in coding exon 11 of the RTEL1 gene, results from a G to A substitution at nucleotide position 980. The glycine at codon 327 is replaced by glutamic acid, an amino acid with similar properties. This amino acid position is conserved. In addition, this alteration is predicted to be tolerated by in silico analysis. Based on the available evidence, the clinical significance of this variant remains unclear.